The following is an entry in ClinVar:

ClinVar aggregate classification (germline): Conflicting classifications of pathogenicity. Review status: criteria provided, conflicting classifications (1 of 4 stars). 3 submissions from 3 submitters: Uncertain significance (2); Likely benign (1). Last evaluated 2025-08-21.

Conditions:
Inborn genetic diseases. Identifiers: MedGen C0950123, MeSH D030342.
RIPK1-related disorder. Also called: RIPK1-related condition.

Allele frequency attached by ClinVar (database versions not stated): ExAC 0.00002.
gnomAD v4.1: 23 of 1,613,664 alleles (0.0014%); highest among the groups gnomAD compares: Middle Eastern, 0.017%; no homozygotes.

Submissions (3):

Ambry Genetics
Classification: Likely benign for Inborn genetic diseases. Last evaluated: 2025-08-21. Review status: criteria provided, single submitter. Criteria: Ambry Variant Classification Scheme 2023. Collection method: clinical testing. Allele origin: germline.

Labcorp Genetics (formerly Invitae), Labcorp
Classification: Uncertain significance. Last evaluated: 2025-04-28. Review status: criteria provided, single submitter. Criteria: Invitae Variant Classification Sherloc (09022015). Collection method: clinical testing. Allele origin: germline.
Comment: This sequence change replaces valine, which is neutral and non-polar, with isoleucine, which is neutral and non-polar, at codon 668 of the RIPK1 protein (p.Val668Ile). This variant is present in population databases (rs755615425, gnomAD 0.009%). This variant has not been reported in the literature in individuals affected with RIPK1-related conditions. ClinVar contains an entry for this variant (Variation ID: 2634627). An algorithm developed to predict the effect of missense changes on protein structure and function outputs the following: PolyPhen-2: "Benign". The isoleucine amino acid residue is found in multiple mammalian species, which suggests that this missense change does not adversely affect protein function. In summary, the available evidence is currently insufficient to determine the role of this variant in disease. Therefore, it has been classified as a Variant of Uncertain Significance.

PreventionGenetics, part of Exact Sciences
Classification: Uncertain significance for RIPK1-related condition. Last evaluated: 2023-08-01. Review status: criteria provided, single submitter. Criteria: ACMG Guidelines, 2015. Collection method: clinical testing. Allele origin: germline.
Comment: The RIPK1 c.2002G>A variant is predicted to result in the amino acid substitution p.Val668Ile. To our knowledge, this variant has not been reported in the literature. This variant is reported in 0.0087% of alleles in individuals of Latino descent in gnomAD. At this time, the clinical significance of this variant is uncertain due to the absence of conclusive functional and genetic evidence.

NM_001354930.2(RIPK1):c.2002G>A (p.Val668Ile)

Gene: RIPK1 (receptor interacting serine/threonine kinase 1; plus strand). Cytogenetic location: 6p25.2.
Variant type: single nucleotide variant.
Coding change: c.2002G>A on transcript NM_001354930.2 (MANE Select); coding-DNA position 2002, G replaced by A.
Protein change: p.Val668Ile; replaces valine 668 with isoleucine.
Molecular consequence: missense variant.
Genome position (GRCh38, 1-based): chr6:3,113,325, G>A. VCF-style: chr6-3113325-G-A. GRCh37 (hg19) VCF-style: chr6-3113559-G-A.
Other names: c.1513G>A, p.Val505Ile (NM_001317061.3, NM_001354932.2, NM_001354933.2 and 1 more transcripts); c.1864G>A, p.Val622Ile (NM_001354931.2); c.2002G>A, p.Val668Ile (NM_003804.6); c.2002G>A (NM_003804.3); short protein forms V505I, V622I, V668I.
Identifiers: ClinVar variation 2634627 (VCV002634627.5), dbSNP rs755615425, ClinGen allele CA3618547.